The following is an entry in ClinVar:

NM_006493.4(CLN5):c.248T>G (p.Ile83Ser)

Gene: CLN5 (CLN5 lysosomal BMP synthase; plus strand). Cytogenetic location: 13q22.3.
Variant type: single nucleotide variant.
Coding change: c.248T>G on transcript NM_006493.4 (MANE Select); coding-DNA position 248, T replaced by G.
Protein change: p.Ile83Ser; replaces isoleucine 83 with serine.
Molecular consequence: missense variant.
Genome position (GRCh38, 1-based): chr13:76,995,137, T>G. VCF-style: chr13-76995137-T-G. GRCh37 (hg19) VCF-style: chr13-77569272-T-G.
Other names: c.248T>G, p.Ile83Ser (NM_001366624.2); short protein forms I83S.
Identifiers: ClinVar variation 1357888 (VCV001357888.8), dbSNP rs2034243356, ClinGen allele CA388307983.

ClinVar aggregate classification (germline): Uncertain significance (1 of 4 stars; one submission).

Conditions:
Neuronal ceroid lipofuscinosis. Also called: Neuronal Ceroid Lipofuscinoses. Identifiers: Orphanet 216, Orphanet 79263, MedGen C0027877, MONDO:0016295. Disease mechanism: loss of function.

Submission:

Labcorp Genetics (formerly Invitae), Labcorp
Classification: Uncertain significance for Neuronal ceroid lipofuscinosis. Last evaluated: 2021-05-31. Review status: criteria provided, single submitter. Criteria: Invitae Variant Classification Sherloc (09022015). Collection method: clinical testing. Allele origin: germline.
Comment: This sequence change replaces isoleucine with serine at codon 132 of the CLN5 protein (p.Ile132Ser). The isoleucine residue is highly conserved and there is a large physicochemical difference between isoleucine and serine. In summary, the available evidence is currently insufficient to determine the role of this variant in disease. Therefore, it has been classified as a Variant of Uncertain Significance. Algorithms developed to predict the effect of sequence changes on RNA splicing suggest that this variant may create or strengthen a splice site, but this prediction has not been confirmed by published transcriptional studies. Algorithms developed to predict the effect of missense changes on protein structure and function are either unavailable or do not agree on the potential impact of this missense change (SIFT: "Deleterious"; PolyPhen-2: "Benign"; Align-GVGD: "Class C65"). This variant has not been reported in the literature in individuals with CLN5-related conditions. This variant is not present in population databases (ExAC no frequency).